The following is an entry in ClinVar:

ClinVar aggregate classification (germline): Uncertain significance (1 of 4 stars; one submission).

Conditions:
Osteogenesis imperfecta type I (OI1). Also called: Lobstein disease; Classic Non-deforming Osteogenesis Imperfecta with Blue Sclerae; OI, TYPE I; OSTEOGENESIS IMPERFECTA TARDA; OSTEOGENESIS IMPERFECTA WITH BLUE SCLERAE; Osteogenesis imperfecta type 1. Identifiers: Orphanet 216796, Orphanet 666, MedGen C0023931, MONDO:0008146, OMIM 166200. Disease mechanism: loss of function.

Submission:

Labcorp Genetics (formerly Invitae), Labcorp
Classification: Uncertain significance for Osteogenesis imperfecta type I. Last evaluated: 2025-02-09. Review status: criteria provided, single submitter. Criteria: Invitae Variant Classification Sherloc (09022015). Collection method: clinical testing. Allele origin: germline.
Comment: This sequence change replaces serine, which is neutral and polar, with proline, which is neutral and non-polar, at codon 756 of the COL1A1 protein (p.Ser756Pro). This variant is not present in population databases (gnomAD no frequency). This variant has not been reported in the literature in individuals affected with COL1A1-related conditions. Invitae Evidence Modeling of protein sequence and biophysical properties (such as structural, functional, and spatial information, amino acid conservation, physicochemical variation, residue mobility, and thermodynamic stability) indicates that this missense variant is not expected to disrupt COL1A1 protein function with a negative predictive value of 95%. In summary, the available evidence is currently insufficient to determine the role of this variant in disease. Therefore, it has been classified as a Variant of Uncertain Significance.

NM_000088.4(COL1A1):c.2266T>C (p.Ser756Pro)

Gene: COL1A1 (collagen type I alpha 1 chain; minus strand). Cytogenetic location: 17q21.33.
Variant type: single nucleotide variant.
Coding change: c.2266T>C on transcript NM_000088.4 (MANE Select); coding-DNA position 2266, T replaced by C.
Protein change: p.Ser756Pro; replaces serine 756 with proline.
Molecular consequence: missense variant.
Genome position (GRCh38, 1-based): chr17:50,190,894, A>G on the plus strand (T>C on the coding strand, the complement: COL1A1 is on the minus strand). VCF-style: chr17-50190894-A-G. GRCh37 (hg19) VCF-style: chr17-48268255-A-G.
Other names: short protein forms S756P.
Identifiers: ClinVar variation 4808566 (VCV004808566.1).